The following is an entry in ClinVar:

ClinVar aggregate classification (germline): Likely pathogenic (1 of 4 stars; one submission).

Conditions:
DYNC1H1-related disorder. Also called: DYNC1H1-related condition; DYNC1H1-related disorders. Identifiers: MedGen CN381529.

Submission:

Greenwood Genetic Center Diagnostic Laboratories, Greenwood Genetic Center
Classification: Likely pathogenic for DYNC1H1-related disorder. Last evaluated: 2024-07-05. Review status: criteria provided, single submitter. Criteria: ACMG Guidelines, 2015. Collection method: clinical testing. Allele origin: germline. Affected: yes.
Comment: PVS1, PM2

NM_001376.5(DYNC1H1):c.7667_7671del (p.Glu2556fs)

Gene: DYNC1H1 (dynein cytoplasmic 1 heavy chain 1; plus strand). Cytogenetic location: 14q32.31.
Variant type: Deletion.
Coding change: c.7667_7671del on transcript NM_001376.5 (MANE Select); coding-DNA positions 7667 to 7671, 5 bases deleted (AAGTG; older notation c.7667_7671delAAGTG).
Protein change: p.Glu2556fs; shifts the reading frame from glutamic acid 2556.
Molecular consequence: frameshift variant.
Genome position (GRCh38, 1-based): chr14:102,016,818-102,016,822, AAGTG deleted; deleting any 5 consecutive bases within chr14:102,016,816-102,016,822 gives the same sequence; the c. name uses the placement nearest the transcript's 3' end. VCF-style (leftmost placement, unchanged base first): chr14-102016815-TTGAAG-T. GRCh37 (hg19) VCF-style: chr14-102483152-TTGAAG-T.
Other names: short protein forms E2556fs.
Identifiers: ClinVar variation 3765598 (VCV003765598.1).
Genomic context (GRCh38, chr14:102,016,815, plus strand): 5'-TCCGTGTGTAGGTGTCCATCAGCGGAGAATGGTCTCCGTGGCAGGCCAAGGTGCCTCAGA[TTGAAG>T]TGGAGACGCACAAGGTGGCAGCCCCTGATGTCGTCGTGCCAACGCTGGACACAGTCCGCC-3'